The following is an entry in ClinVar:

NM_198503.5(KCNT2):c.3059G>A (p.Arg1020Lys)

Gene: KCNT2 (potassium sodium-activated channel subfamily T member 2; minus strand). Cytogenetic location: 1q31.3.
Variant type: single nucleotide variant.
Coding change: c.3059G>A on transcript NM_198503.5 (MANE Select); coding-DNA position 3059, G replaced by A.
Protein change: p.Arg1020Lys; replaces arginine 1020 with lysine.
Molecular consequence: missense variant. On other transcripts: non-coding transcript variant (2).
Genome position (GRCh38, 1-based): chr1:196,258,346, C>T on the plus strand (G>A on the coding strand, the complement: KCNT2 is on the minus strand). VCF-style: chr1-196258346-C-T. GRCh37 (hg19) VCF-style: chr1-196227476-C-T.
Other names: c.2987G>A, p.Arg996Lys (NM_001287819.3); c.2858G>A, p.Arg953Lys (NM_001287820.3); short protein forms R1020K, R953K, R996K.
Identifiers: ClinVar variation 3346288 (VCV003346288.1).
Genomic context (GRCh38, chr1:196,258,346, plus strand): 5'-CGCTGCTGGGTTATTTTTTCAGCTGTTTTACCAGAGTGTTTTGGGCCTTTTCTGCTCAGT[C>T]TTCGGGCCCACTGCATGCTTTTTCTCCGCAGCAAGGGATGGTCCGACTGATCACTGGATG-3'
Protein context (NP_940905.2, residues 1010-1030): LRRKSMQWAR[Arg1020Lys]LSRKGPKHSG

ClinVar aggregate classification (germline): Uncertain significance (0 of 4 stars; one submission).

Conditions:
KCNT2-related disorder. Also called: KCNT2-related condition. Identifiers: MedGen CN236796.

gnomAD v4.1: 6 of 1,614,000 alleles (0.00037%); highest among the groups gnomAD compares: Non-Finnish European, 0.00051%; no homozygotes.

Submission:

PreventionGenetics, part of Exact Sciences
Classification: Uncertain significance for KCNT2-related condition. Last evaluated: 2024-04-16. Review status: no assertion criteria provided. Collection method: clinical testing. Allele origin: germline.
Comment: The KCNT2 c.3059G>A variant is predicted to result in the amino acid substitution p.Arg1020Lys. To our knowledge, this variant has not been reported in the literature or in a large population database, indicating this variant is rare. At this time, the clinical significance of this variant is uncertain due to the absence of conclusive functional and genetic evidence.